The following is an entry in ClinVar:

ClinVar aggregate classification (germline): Pathogenic (1 of 4 stars; one submission).

Conditions:
Encephalopathy, acute, infection-induced (herpes-specific), susceptibility to, 1. Also called: Herpes simplex encephalitis, susceptibility to, 1. Identifiers: Orphanet 1930, MedGen C2750180, MONDO:0024563, OMIM 610551.

Submission:

Labcorp Genetics (formerly Invitae), Labcorp
Classification: Pathogenic for Encephalopathy, acute, infection-induced (herpes-specific), susceptibility to, 1. Last evaluated: 2022-05-25. Review status: criteria provided, single submitter. Criteria: Invitae Variant Classification Sherloc (09022015). Collection method: clinical testing. Allele origin: germline.
Comment: This variant has not been reported in the literature in individuals affected with UNC93B1-related conditions. This variant is not present in population databases (gnomAD no frequency). This sequence change creates a premature translational stop signal (p.Gly114Aspfs*75) in the UNC93B1 gene. It is expected to result in an absent or disrupted protein product. Loss-of-function variants in UNC93B1 are known to be pathogenic (PMID: 16973841). For these reasons, this variant has been classified as Pathogenic.

Literature cited by the submitters: PubMed 16973841.

NM_030930.4(UNC93B1):c.341_351del (p.Gly114fs)

Gene: UNC93B1 (unc-93B1 regulator of TLR signaling; minus strand). Cytogenetic location: 11q13.2.
Variant type: Deletion.
Coding change: c.341_351del on transcript NM_030930.4 (MANE Select); coding-DNA positions 341 to 351, 11 bases deleted (GCATCAACGTG).
Protein change: p.Gly114fs; shifts the reading frame from glycine 114.
Molecular consequence: frameshift variant.
Genome position (GRCh38, 1-based): chr11:68,003,063-68,003,073, CACGTTGATGC deleted on the plus strand (GCATCAACGTG on the coding strand, the reverse complement: UNC93B1 is on the minus strand); deleting any 11 consecutive bases within chr11:68,003,063-68,003,074 gives the same sequence; the c. name uses the placement nearest the transcript's 3' end. VCF-style (leftmost placement, unchanged base first): chr11-68003062-TCACGTTGATGC-T. GRCh37 (hg19) VCF-style: chr11-67770532-TCACGTTGATGC-T.
Other names: short protein forms G114fs.
Identifiers: ClinVar variation 1999060 (VCV001999060.4), dbSNP rs2495497804, ClinGen allele CA2580084693.